The following is an entry in ClinVar:

ClinVar aggregate classification (germline): Conflicting classifications of pathogenicity. Review status: criteria provided, conflicting classifications (1 of 4 stars). 25 submissions from 25 submitters: Likely pathogenic (4); Uncertain significance (14). 7 of the submissions do not count toward it. Last evaluated 2026-08-21.

Conditions:
Glycogen storage disease, type IV (GSD4). Also called: GBE1 DEFICIENCY; GLYCOGEN BRANCHING ENZYME DEFICIENCY; GLYCOGENOSIS IV; GSD IV; Glycogen storage disease due to glycogen branching enzyme deficiency; AMYLOPECTINOSIS. Identifiers: Orphanet 367, MedGen C0017923, MONDO:0009292, OMIM 232500.
Glycogen storage disease IV, classic hepatic. Also called: GSD IV, CLASSIC HEPATIC. Identifiers: MedGen C1856301.
Dementia. Identifiers: MedGen C0497327, MONDO:0001627, HP:0000726.
GBE1-related disorder. Also called: GBE1-related condition; GBE1-related disorders. Identifiers: MedGen CN239402.
Adult polyglucosan body disease (APBN). Also called: POLYGLUCOSAN BODY DISEASE, ADULT FORM; GBE1-Adult Polyglucosan Body Disease. Identifiers: Orphanet 206583, MedGen C1849722, MONDO:0009897, OMIM 263570.

Allele frequency attached by ClinVar (database versions not stated): ESP Exome Variant Server 0.00041; TOPMed 0.00065; gnomAD 0.00070 and 0.00071; ExAC 0.00086.
gnomAD v4.1: 1,516 of 1,607,986 alleles (0.094%); highest among the groups gnomAD compares: Non-Finnish European, 0.11%; no homozygotes.

Submissions 1 to 10 of 25:

Myriad Genetics, Inc.
Classification: Uncertain significance for Glycogen storage disease, type IV. Last evaluated: 2026-08-21. Review status: criteria provided, single submitter. Criteria: Myriad Autosomal Dominant, Autosomal Recessive and X-Linked Classification Criteria (2023). Collection method: clinical testing. Allele origin: unknown.
Comment: NM_000158.3(GBE1):c.1492G>A(E498K) is a missense variant classified as a variant of uncertain significance in the context of glycogen storage disease, GBE1-related. E498K has been observed in cases with relevant disease (PMID: 34946936, 36628840, 26789422, 37152446). Relevant functional assessments of this variant are not available in the literature. E498K has been observed in referenced population frequency databases. In summary, there is insufficient evidence to classify NM_000158.3(GBE1):c.1492G>A(E498K) as pathogenic or benign. Please note: this variant was assessed in the context of healthy population screening.

PreventionGenetics, part of Exact Sciences
Classification: Uncertain significance for GBE1-related condition. Last evaluated: 2026-08-18. Review status: criteria provided, single submitter. Criteria: ACMG Guidelines, 2015. Collection method: clinical testing. Allele origin: germline.
Comment: The GBE1 c.1492G>A variant is predicted to result in the amino acid substitution p.Glu498Lys. This variant has been reported in the compound heterozygous state in patients with adult polyglucosan body disease (Naddaf et al. 2016. PubMed ID: 26789422; Supp. Table 2, Schuermans et al. 2023. PubMed ID: 37152446 ). Of note, GBE1 exon 12 has previously been reported as a variant “hotspot” (Moses and Parvari. 2002. PubMed ID: 11949934) and exon 12 variants have been associated with a wide range of clinical phenotypes (for review, see Li et al. 2010. PubMed ID: 20058079). This variant is reported in 0.13% of alleles in individuals of European (Finnish) descent in gnomAD) and is interpreted as uncertain and likely pathogenic by outside laboratories in ClinVar (ClinVar ID: 548007/). At this time, the clinical significance of this variant is uncertain due to the absence of conclusive functional and genetic evidence.

Clinical Genomics Laboratory, Washington University in St. Louis
Classification: Likely pathogenic for Glycogen storage disease, type IV. Last evaluated: 2026-04-20. Review status: criteria provided, single submitter. Criteria: ACMG Guidelines, 2015. Collection method: clinical testing. Allele origin: germline. Affected: yes.
Comment: The GBE1 c.1492G>A (p.Glu498Lys) variant has been reported in at least three individuals affected with suspected glycogen storage disease and reduced GBE activity (De Winter J et al., PMID: 36628840; Ersoy M et al., PMID: 34946936; Naddaf E et al., PMID: 26789422). Of those individuals, one was compound heterozygous for the variant and a pathogenic variant confirmed in trans, one was homozygous for the variant, and one was compound heterozygous for the variant and a variant of uncertain significance confirmed in trans. Additionally, at least one individual carrying this variant had GBE activity in the carrier range (Naddaf E et al., PMID: 26789422). This variant has been reported in the ClinVar database as a germline likely pathogenic variant by two submitters and a variant of uncertain significance by 19 submitters. This variant is only observed on 194/271,576 alleles in the general population (gnomAD v2.1.1), consistent with the incidence of autosomal recessive glycogen storage disease. Computational predictors indicate that the variant is damaging, evidence that correlates with impact on GBE1 function. Based on available information and the ACMG/AMP guidelines for variant interpretation (Richards S et al., PMID: 25741868), this variant is classified as likely pathogenic.

GeneDx
Classification: Uncertain significance. Last evaluated: 2025-09-19. Review status: criteria provided, single submitter. Criteria: GeneDx Variant Classification Process June 2021. Collection method: clinical testing. Allele origin: germline. Affected: yes.
Comment: Reported in trans with a GBE1 splicing variant in a patient with an unusual manifestation of adult polyglucosan body disease, whose GBE enzyme activity in blood leukocytes was 7% of normal levels (PMID: 26789422); In silico analysis supports that this missense variant has a deleterious effect on protein structure/function; This variant is associated with the following publications: (PMID: 34426522, 36628840, 26789422, 34946936, 37152446)

Victorian Clinical Genetics Services, Murdoch Childrens Research Institute
Classification: Uncertain significance for Glycogen storage disease, type IV. Last evaluated: 2025-06-13. Review status: criteria provided, single submitter. Criteria: ACMG Guidelines, 2015. Collection method: clinical testing. Allele origin: germline.
Comment: This variant is classified as VUS-3A. Evidence in support of pathogenic classification: Variant is present in gnomAD <0.01 for a recessive condition (v4: 1516 heterozygote(s), 0 homozygote(s)); Missense variant predicted to be damaging by in silico tool(s) or highly conserved with a major amino acid change. Additional information: Variant is predicted to result in a missense amino acid change from glutamic acid to lysine; This variant is heterozygous; This gene is associated with autosomal recessive disease; Alternative amino acid change(s) at the same position are present in gnomAD (Highest allele count: v4: 2 heterozygote(s), 0 homozygote(s)); Previous reports of pathogenicity for this variant are conflicting. This variant has been classified as VUS by multiple clinical laboratories in ClinVar and has also been classified once as likely pathogenic. In addition, it has been reported in the literature in a compound heterozygous individual with adult polyglucosan body disease and in a homozygous individual with mild developmental delay and early onset peripheral sensory neuropathy (PMIDs: 26789422, 34946936); No published segregation evidence has been identified for this variant; No published functional evidence has been identified for this variant; No comparable missense variants have previous evidence for pathogenicity; Variant is not located in an established domain, motif, hotspot or informative constraint region; Loss of function is a known mechanism of disease in this gene and is associated with glycogen storage disease due to glycogen branching enzyme deficiency (MONDO:0009292), GBE1-related.

Revvity Omics, Revvity
Classification: Likely pathogenic. Last evaluated: 2025-02-27. Review status: criteria provided, single submitter. Criteria: ACMG Guidelines, 2015. Collection method: clinical testing. Allele origin: germline.

Women's Health and Genetics/Laboratory Corporation of America, LabCorp
Classification: Likely pathogenic for Glycogen storage disease, type IV. Last evaluated: 2024-11-25. Review status: criteria provided, single submitter. Criteria: LabCorp Variant Classification Summary - May 2015. Collection method: clinical testing. Allele origin: germline.
Comment: Variant summary: GBE1 c.1492G>A (p.Glu498Lys) results in a conservative amino acid change located in the Glycosyl hydrolase, family 13, catalytic domain (IPR006047) of the encoded protein sequence. Four of five in-silico tools predict a damaging effect of the variant on protein function. The variant allele was found at a frequency of 0.00073 in 240226 control chromosomes. This frequency is not significantly higher than estimated for a pathogenic variant in GBE1 causing Glycogen Storage Disease, Type IV (0.00073 vs 0.0013), allowing no conclusion about variant significance. c.1492G>A has been reported in the literature as a compound heterozygous genotype in two individuals affected with Adult onset polyglucosan body disease (APBD) (Naddaf_2016, De Winter_2023) and as a homozygous genotype in at-least one individual affected with Glycogen storage disease type IV (Ersoy_2021). These data indicate that the variant is likely to be associated with disease. To our knowledge, no experimental evidence demonstrating an impact on protein function has been reported. ClinVar contains an entry for this variant (Variation ID: 548007). Based on the evidence outlined above, the variant was classified as likely pathogenic.

Blueprint Genetics
Classification: Uncertain significance. Last evaluated: 2024-09-12. Review status: criteria provided, single submitter. Criteria: ACMG Guidelines, 2015. Collection method: clinical testing. Allele origin: germline.

CeGaT Center for Human Genetics Tuebingen
Classification: Uncertain significance. Last evaluated: 2023-11-01. Review status: criteria provided, single submitter. Criteria: CeGaT Center For Human Genetics Tuebingen Variant Classification Criteria Version 2. Collection method: clinical testing. Allele origin: germline. Affected: yes. Observed: 4 variant alleles.
Comment: GBE1: PM3, PM2:Supporting, PP3

Mayo Clinic Laboratories, Mayo Clinic
Classification: Uncertain significance. Last evaluated: 2023-02-15. Review status: criteria provided, single submitter. Criteria: ACMG Guidelines, 2015. Collection method: clinical testing. Allele origin: germline. Observed: 3 variant alleles.
Comment: BS1, PP3, PP4, PM3

NM_000158.4(GBE1):c.1492G>A (p.Glu498Lys)

Gene: GBE1 (1,4-alpha-glucan branching enzyme 1; minus strand). Cytogenetic location: 3p12.2.
Variant type: single nucleotide variant.
Coding change: c.1492G>A on transcript NM_000158.4 (MANE Select); coding-DNA position 1492, G replaced by A.
Protein change: p.Glu498Lys; replaces glutamic acid 498 with lysine.
Molecular consequence: missense variant.
Genome position (GRCh38, 1-based): chr3:81,578,051, C>T on the plus strand (G>A on the coding strand, the complement: GBE1 is on the minus strand). VCF-style: chr3-81578051-C-T. GRCh37 (hg19) VCF-style: chr3-81627202-C-T.
Other names: NM_000158.4(GBE1):c.1492G>A; short protein forms E498K.
Identifiers: ClinVar variation 548007 (VCV000548007.80), dbSNP rs201758548, ClinGen allele CA2499637.